The following is an entry in ClinVar:

ClinVar aggregate classification (germline): Uncertain significance (1 of 4 stars; one submission).

Conditions:
Cryopyrin associated periodic syndrome (CAPS). Identifiers: Orphanet 208650, MedGen C2316212, MONDO:0016168.

Allele frequency attached by ClinVar (database versions not stated): TOPMed 0.00001; gnomAD 0.00002.
gnomAD v4.1: 3 of 1,613,976 alleles (0.00019%); highest among the groups gnomAD compares: African/African-American, 0.004%; no homozygotes.

Submission:

Labcorp Genetics (formerly Invitae), Labcorp
Classification: Uncertain significance for Cryopyrin associated periodic syndrome. Last evaluated: 2022-09-27. Review status: criteria provided, single submitter. Criteria: Invitae Variant Classification Sherloc (09022015). Collection method: clinical testing. Allele origin: germline.
Comment: This sequence change replaces threonine, which is neutral and polar, with isoleucine, which is neutral and non-polar, at codon 233 of the NLRP3 protein (p.Thr233Ile). This variant is not present in population databases (gnomAD no frequency). This variant has not been reported in the literature in individuals affected with NLRP3-related conditions. Advanced modeling of protein sequence and biophysical properties (such as structural, functional, and spatial information, amino acid conservation, physicochemical variation, residue mobility, and thermodynamic stability) performed at Invitae indicates that this missense variant is expected to disrupt NLRP3 protein function. In summary, the available evidence is currently insufficient to determine the role of this variant in disease. Therefore, it has been classified as a Variant of Uncertain Significance.

NM_001243133.2(NLRP3):c.692C>T (p.Thr231Ile)

Gene: NLRP3 (NLR family pyrin domain containing 3; plus strand). Cytogenetic location: 1q44.
Variant type: single nucleotide variant.
Coding change: c.692C>T on transcript NM_001243133.2 (MANE Select); coding-DNA position 692, C replaced by T.
Protein change: p.Thr231Ile; replaces threonine 231 with isoleucine.
Molecular consequence: missense variant.
Genome position (GRCh38, 1-based): chr1:247,424,141, C>T. VCF-style: chr1-247424141-C-T. GRCh37 (hg19) VCF-style: chr1-247587443-C-T.
Other names: c.692C>T, p.Thr231Ile (NM_001079821.3, NM_001127461.3, NM_001127462.3 and 1 more transcripts); c.698C>T, p.Thr233Ile (NM_004895.5); short protein forms T231I, T233I.
Identifiers: ClinVar variation 1720440 (VCV001720440.5), dbSNP rs1464620030, ClinGen allele CA345555215.